The following is an entry in ClinVar:

NM_201384.3(PLEC):c.3639C>T (p.Arg1213=)

Gene: PLEC (plectin; minus strand). Cytogenetic location: 8q24.3.
Variant type: single nucleotide variant.
Coding change: c.3639C>T on transcript NM_201384.3 (MANE Select); coding-DNA position 3639, C replaced by T.
Protein change: p.Arg1213=; no amino-acid change (arginine 1213 retained).
Molecular consequence: synonymous variant.
Genome position (GRCh38, 1-based): chr8:143,927,527, G>A on the plus strand (C>T on the coding strand, the complement: PLEC is on the minus strand). VCF-style: chr8-143927527-G-A. GRCh37 (hg19) VCF-style: chr8-145001695-G-A.
Other names: c.3720C>T, p.Arg1240= (NM_000445.5); c.3597C>T, p.Arg1199= (NM_201378.4); c.3573C>T, p.Arg1191= (NM_201379.3); c.4050C>T, p.Arg1350= (NM_201380.4); c.3543C>T, p.Arg1181= (NM_201381.3); c.3639C>T, p.Arg1213= (NM_201382.4); c.3651C>T, p.Arg1217= (NM_201383.3).
Identifiers: ClinVar variation 471577 (VCV000471577.12), dbSNP rs782293819, ClinGen allele CA4926996.

ClinVar aggregate classification (germline): Conflicting classifications of pathogenicity. Review status: criteria provided, conflicting classifications (1 of 4 stars). 3 submissions from 3 submitters: Uncertain significance (1); Likely benign (2). Last evaluated 2026-09-10.

Conditions:
PLEC-related disorder. Also called: PLEC-related disorders; PLEC-related condition.
Autosomal recessive limb-girdle muscular dystrophy type 2Q (LGMDR17). Also called: MUSCULAR DYSTROPHY, LIMB-GIRDLE, AUTOSOMAL RECESSIVE 17. Identifiers: Orphanet 254361, MedGen C3150989, MONDO:0013390, OMIM 613723.
Epidermolysis bullosa simplex with nail dystrophy (EBS5D). Identifiers: MedGen C4225309, MONDO:0014661, OMIM 616487.
Epidermolysis bullosa simplex 5C, with pyloric atresia (EBS5C). Also called: PLEC-Related Epidermolysis Bullosa with Pyloric Atresia; Epidermolysis bullosa simplex with pyloric atresia; PLEC1-Related Epidermolysis Bullosa with Pyloric Atresia. Identifiers: Orphanet 158684, MedGen C2677349, MONDO:0012807, OMIM 612138.
Epidermolysis bullosa simplex, Ogna type (EBS5A). Also called: Pidermolysis bullosa simplex 5A, Ogna type; EPIDERMOLYSIS BULLOSA SIMPLEX 5A, OGNA TYPE. Identifiers: Orphanet 79401, MedGen C0432317, MONDO:0007555, OMIM 131950.
Epidermolysis bullosa simplex 5B, with muscular dystrophy (EBS5B). Also called: EPIDERMOLYSIS BULLOSA SIMPLEX AND LIMB-GIRDLE MUSCULAR DYSTROPHY; Epidermolysis bullosa simplex with muscular dystrophy. Identifiers: Orphanet 257, MedGen C2931072, MONDO:0009181, OMIM 226670.

Allele frequency attached by ClinVar (database versions not stated): TOPMed 0.00003; gnomAD 0.00004.
gnomAD v4.1: 78 of 1,597,278 alleles (0.0049%); highest among the groups gnomAD compares: Admixed American, 0.015%; no homozygotes.

Submissions (3):

PreventionGenetics, part of Exact Sciences
Classification: Likely benign for PLEC-related condition. Last evaluated: 2026-09-10. Review status: criteria provided, single submitter. Criteria: ACMG Guidelines, 2015. Collection method: clinical testing. Allele origin: germline.
Comment: This variant is classified as likely benign based on ACMG/AMP sequence variant interpretation guidelines (Richards et al. 2015 PMID: 25741868, with internal and published modifications).

Labcorp Genetics (formerly Invitae), Labcorp
Classification: Likely benign for Autosomal recessive limb-girdle muscular dystrophy type 2Q; Epidermolysis bullosa simplex, Ogna type; Epidermolysis bullosa simplex with nail dystrophy; Epidermolysis bullosa simplex 5C, with pyloric atresia; Epidermolysis bullosa simplex 5B, with muscular dystrophy. Last evaluated: 2025-10-02. Review status: criteria provided, single submitter. Criteria: Invitae Variant Classification Sherloc (09022015). Collection method: clinical testing. Allele origin: germline.

Eurofins Ntd Llc (ga)
Classification: Uncertain significance. Last evaluated: 2018-03-06. Review status: criteria provided, single submitter. Criteria: EGL ClinVar v180209 classification definitions. Collection method: clinical testing. Allele origin: germline. Observed: 1 variant allele, 1 heterozygote.